The following is an entry in ClinVar:

NM_001002294.3(FMO3):c.133-2658A>T

Gene: FMO3 (flavin containing dimethylaniline monoxygenase 3; plus strand). Cytogenetic location: 1q24.3.
Variant type: single nucleotide variant.
Coding change: c.133-2658A>T on transcript NM_001002294.3 (MANE Select); 2658 bases into the intron before coding-DNA position 133, A replaced by T.
Molecular consequence: intron variant. On other transcripts: 5 prime UTR variant (1).
Genome position (GRCh38, 1-based): chr1:171,101,127, A>T. VCF-style: chr1-171101127-A-T. GRCh37 (hg19) VCF-style: chr1-171070268-A-T.
Other names: c.-8A>T (NM_001319173.2); c.133-6548A>T (NM_001319174.2); c.133-2658A>T (NM_006894.6).
Identifiers: ClinVar variation 3036104 (VCV003036104.2), dbSNP rs1158250106, ClinGen allele CA891078687.

ClinVar aggregate classification (germline): Likely benign (0 of 4 stars; one submission).

Conditions:
FMO3-related disorder. Also called: FMO3-related condition.

Allele frequency attached by ClinVar (database versions not stated): gnomAD exomes below 0.00001; gnomAD 0.00001; TOPMed 0.00001.
gnomAD v4.1: 2 of 456,116 alleles (0.00044%); highest among the groups gnomAD compares: African/African-American, 0.002%; no homozygotes.

Submission:

PreventionGenetics, part of Exact Sciences
Classification: Likely benign for FMO3-related condition. Last evaluated: 2020-07-07. Review status: no assertion criteria provided. Collection method: clinical testing. Allele origin: germline.
Comment: This variant is classified as likely benign based on ACMG/AMP sequence variant interpretation guidelines (Richards et al. 2015 PMID: 25741868, with internal and published modifications).